The following is an entry in ClinVar:

ClinVar aggregate classification (germline): Pathogenic (1 of 4 stars; one submission).

Conditions:
Joubert syndrome. Also called: CEREBELLOPARENCHYMAL DISORDER IV; JOUBERT-BOLTSHAUSER SYNDROME; Familial aplasia of the vermis. Identifiers: Orphanet 475, MedGen C5979921, MONDO:0018772.
Meckel-Gruber syndrome. Also called: DYSENCEPHALIA SPLANCHNOCYSTICA; GRUBER SYNDROME; Dysencephalia splachnocystica. Identifiers: Orphanet 564, MedGen C0265215, MONDO:0018921.

Submission:

Labcorp Genetics (formerly Invitae), Labcorp
Classification: Pathogenic for Joubert syndrome; Meckel-Gruber syndrome. Last evaluated: 2023-08-24. Review status: criteria provided, single submitter. Criteria: Invitae Variant Classification Sherloc (09022015). Collection method: clinical testing. Allele origin: germline.
Comment: This sequence change creates a premature translational stop signal (p.Lys318*) in the RPGRIP1L gene. It is expected to result in an absent or disrupted protein product. Loss-of-function variants in RPGRIP1L are known to be pathogenic (PMID: 17558409). This variant is not present in population databases (gnomAD no frequency). This variant has not been reported in the literature in individuals affected with RPGRIP1L-related conditions. For these reasons, this variant has been classified as Pathogenic.

Literature cited by the submitters: PubMed 17558409.

NM_015272.5(RPGRIP1L):c.952A>T (p.Lys318Ter)

Gene: RPGRIP1L (RPGRIP1 like; minus strand). Cytogenetic location: 16q12.2.
Variant type: single nucleotide variant.
Coding change: c.952A>T on transcript NM_015272.5 (MANE Select); coding-DNA position 952, A replaced by T.
Protein change: p.Lys318Ter; replaces lysine 318 with a stop codon.
Molecular consequence: nonsense.
Genome position (GRCh38, 1-based): chr16:53,672,947, T>A on the plus strand (A>T on the coding strand, the complement: RPGRIP1L is on the minus strand). VCF-style: chr16-53672947-T-A. GRCh37 (hg19) VCF-style: chr16-53706859-T-A.
Other names: c.952A>T, p.Lys318Ter (NM_001127897.4, NM_001308334.3, NM_001330538.2); short protein forms K318*.
Identifiers: ClinVar variation 2951245 (VCV002951245.3), dbSNP rs2544491095, ClinGen allele CA395922901.